The following is an entry in ClinVar:

NM_002890.3(RASA1):c.2460del (p.Lys820_Ile821insTer)

Genes: CCNH (cyclin H; minus strand), RASA1 (RAS p21 protein activator 1; plus strand). Cytogenetic location: 5q14.3.
Variant type: Deletion.
Coding change: c.2460del on transcript NM_002890.3 (MANE Select); coding-DNA position 2460, one base deleted (G; older notation c.2460delG).
Protein change: p.Lys820_Ile821insTer.
Molecular consequence: frameshift variant. On other transcripts: intron variant (1).
Genome position (GRCh38, 1-based): chr5:87,378,511, G deleted. VCF-style (leftmost placement, unchanged base first): chr5-87378510-AG-A. GRCh37 (hg19) VCF-style: chr5-86674327-AG-A.
Other names: c.1929del, p.Lys643_Ile644insTer (NM_022650.3); c.933+16533del (NM_001364075.2).
Identifiers: ClinVar variation 3729182 (VCV003729182.2).
Genomic context (GRCh38, chr5:87,378,510, plus strand): 5'-AGTATATGAAAGCCACTGCTACACAGTTTGTTCATCATGCTTTGAAAGACTCTATTTTAA[AG>A]ATAATGGAAAGCAAGCAGTCTTGTGAGGTAAGAATTTAATGTTTTAATAAGTATTTTTGC-3'

ClinVar aggregate classification (germline): Pathogenic (1 of 4 stars; one submission).

Conditions:
Capillary malformation-arteriovenous malformation syndrome. Also called: Capillary malformation-arteriovenous malformation. Identifiers: Orphanet 137667, MedGen C1842180, MONDO:0012016.

Submission:

Labcorp Genetics (formerly Invitae), Labcorp
Classification: Pathogenic for Capillary malformation-arteriovenous malformation syndrome. Last evaluated: 2025-03-23. Review status: criteria provided, single submitter. Criteria: Invitae Variant Classification Sherloc (09022015). Collection method: clinical testing. Allele origin: germline.
Comment: This sequence change creates a premature translational stop signal (p.Ile821*) in the RASA1 gene. It is expected to result in an absent or disrupted protein product. Loss-of-function variants in RASA1 are known to be pathogenic (PMID: 24038909). This variant is not present in population databases (gnomAD no frequency). This variant has not been reported in the literature in individuals affected with RASA1-related conditions. For these reasons, this variant has been classified as Pathogenic.

Literature cited by the submitters: PubMed 24038909.